The following is an entry in ClinVar:

ClinVar aggregate classification (germline): Uncertain significance. Review status: criteria provided, multiple submitters, no conflicts (2 of 4 stars). 2 submissions from 2 submitters: Uncertain significance (2). Last evaluated 2021-05-18.

Conditions:
Early-infantile DEE. Also called: Ohtahara syndrome; Early infantile epileptic encephalopathy; Early infantile epileptic encephalopathy with suppression bursts. Identifiers: Orphanet 1934, MedGen C0393706, MONDO:0800491.
Developmental and epileptic encephalopathy, 7 (DEE7). Also called: KCNQ2-Related Neonatal Epileptic Encephalopathy; KCNQ2-Related Neonatal-Onset Developmental and Epileptic Encephalopathy (NEO-DEE); Early infantile epileptic encephalopathy 7. Identifiers: Orphanet 439218, MedGen C3150986, MONDO:0013387, OMIM 613720.

Submissions (2):

Labcorp Genetics (formerly Invitae), Labcorp
Classification: Uncertain significance for Early-infantile DEE. Last evaluated: 2021-05-18. Review status: criteria provided, single submitter. Criteria: Invitae Variant Classification Sherloc (09022015). Collection method: clinical testing. Allele origin: germline.
Comment: In summary, the available evidence is currently insufficient to determine the role of this variant in disease. Therefore, it has been classified as a Variant of Uncertain Significance. Advanced modeling of protein sequence and biophysical properties (such as structural, functional, and spatial information, amino acid conservation, physicochemical variation, residue mobility, and thermodynamic stability) performed at Invitae indicates that this missense variant is expected to disrupt KCNQ2 protein function. This variant has not been reported in the literature in individuals with KCNQ2-related conditions. The frequency data for this variant in the population databases is considered unreliable, as metrics indicate insufficient coverage at this position in the ExAC database. This sequence change replaces valine with methionine at codon 22 of the KCNQ2 protein (p.Val22Met). The valine residue is moderately conserved and there is a small physicochemical difference between valine and methionine.

CENTOGENE GmbH and LLC - Guiding Precision Medicine
Classification: Uncertain significance for Developmental and epileptic encephalopathy, 7. Last evaluated: 2020-01-18. Review status: criteria provided, single submitter. Criteria: ACMG Guidelines, 2015. Collection method: clinical testing. Allele origin: germline.

NM_172107.4(KCNQ2):c.64G>A (p.Val22Met)

Gene: KCNQ2 (potassium voltage-gated channel subfamily Q member 2; minus strand). Cytogenetic location: 20q13.33.
Variant type: single nucleotide variant.
Coding change: c.64G>A on transcript NM_172107.4 (MANE Select); coding-DNA position 64, G replaced by A.
Protein change: p.Val22Met; replaces valine 22 with methionine.
Molecular consequence: missense variant.
Genome position (GRCh38, 1-based): chr20:63,472,400, C>T on the plus strand (G>A on the coding strand, the complement: KCNQ2 is on the minus strand). VCF-style: chr20-63472400-C-T. GRCh37 (hg19) VCF-style: chr20-62103753-C-T.
Other names: c.64G>A, p.Val22Met (NM_001382235.1, NM_004518.6, NM_172106.3 and 2 more transcripts); short protein forms V22M.
Identifiers: ClinVar variation 1023279 (VCV001023279.11), dbSNP rs2082239153, ClinGen allele CA409635979.